The following is an entry in ClinVar:

NM_001378454.1(ALMS1):c.2734_2737del (p.Glu912fs)

Gene: ALMS1 (ALMS1 centrosome and basal body associated protein; plus strand). Cytogenetic location: 2p13.1.
Variant type: Microsatellite.
Coding change: c.2734_2737del on transcript NM_001378454.1 (MANE Select); coding-DNA positions 2734 to 2737, 4 bases deleted (GAGA; older notation c.2734_2737delGAGA).
Protein change: p.Glu912fs; shifts the reading frame from glutamic acid 912.
Molecular consequence: frameshift variant.
Genome position (GRCh38, 1-based): chr2:73,449,261-73,449,264, GAGA deleted; deleting any 4 consecutive bases within chr2:73,449,258-73,449,264 gives the same sequence; the c. name uses the placement nearest the transcript's 3' end. VCF-style (leftmost placement, unchanged base first): chr2-73449257-CAGAG-C. GRCh37 (hg19) VCF-style: chr2-73676384-CAGAG-C.
Other names: c.2737_2740del, p.Glu913fs (NM_015120.4); short protein forms E912fs, E913fs.
Identifiers: ClinVar variation 977959 (VCV000977959.4), dbSNP rs1671876151, ClinGen allele CA1260958550.

ClinVar aggregate classification (germline): Pathogenic. Review status: criteria provided, single submitter (1 of 4 stars). 2 submissions from 2 submitters: Pathogenic (1). 1 of the submissions does not count toward it. Last evaluated 2025-05-12.

Conditions:
Alstrom syndrome (ALMS). Identifiers: Orphanet 64, MedGen C0268425, MONDO:0008763, OMIM 203800.

Submissions (2):

Natera, Inc.
Classification: Pathogenic for Alstrom syndrome. Last evaluated: 2025-05-12. Review status: criteria provided, single submitter. Criteria: Natera Variant Classification Schema (03/2026). Collection method: clinical testing. Allele origin: germline.
Comment: The c.2737_2740del variant in ALMS1 is a frameshift variant predicted to shift the reading frame beginning at codon 913 and leads to a stop codon 20 codons downstream. This variant is expected to result in nonsense mediated decay, truncation, or a dysfunctional protein product. This variant is rare in the general population with a frequency below the threshold expected for the associated phenotype(s). This variant has been observed in one or more individuals affected with the associated recessive disease, as either homozygous or compound heterozygous with a second variant (PMID: 25864795). Given the available evidence, this variant is classified as Pathogenic.

Laboratory of Genetics in Ophthalmology, Institut Imagine
Classification: Pathogenic for Alstrom syndrome. Review status: no assertion criteria provided. Collection method: research. Allele origin: inherited. Affected: yes. Observed: 1 variant allele. Not counted in ClinVar's aggregate classification.

Literature cited by the submitters: PubMed 25864795 (cited by Natera, Inc.).